The following is an entry in ClinVar:

ClinVar aggregate classification (germline): Uncertain significance (1 of 4 stars; one submission).

Submission:

GeneDx
Classification: Uncertain significance. Last evaluated: 2024-06-06. Review status: criteria provided, single submitter. Criteria: GeneDx Variant Classification Process June 2021. Collection method: clinical testing. Allele origin: germline. Affected: yes.
Comment: Not observed at significant frequency in large population cohorts (gnomAD); In silico analysis indicates that this missense variant does not alter protein structure/function; Has not been previously published as pathogenic or benign to our knowledge

NM_001365276.2(TNXB):c.7544A>C (p.Glu2515Ala)

Gene: TNXB (tenascin XB; minus strand). Cytogenetic location: 6p21.33.
Variant type: single nucleotide variant.
Coding change: c.7544A>C on transcript NM_001365276.2 (MANE Select); coding-DNA position 7544, A replaced by C.
Protein change: p.Glu2515Ala; replaces glutamic acid 2515 with alanine.
Molecular consequence: missense variant.
Genome position (GRCh38, 1-based): chr6:32,058,339, T>G on the plus strand (A>C on the coding strand, the complement: TNXB is on the minus strand). VCF-style: chr6-32058339-T-G. GRCh37 (hg19) VCF-style: chr6-32026116-T-G.
Other names: c.8285A>C, p.Glu2762Ala (NM_001428335.1); c.7544A>C, p.Glu2515Ala (NM_019105.8); short protein forms E2515A, E2762A.
Identifiers: ClinVar variation 3384626 (VCV003384626.1).